The following is an entry in ClinVar:

ClinVar aggregate classification (germline): Likely pathogenic (1 of 4 stars; one submission).

Submission:

GeneDx
Classification: Likely pathogenic. Last evaluated: 2020-03-31. Review status: criteria provided, single submitter. Criteria: GeneDx Variant Classification Process June 2021. Collection method: clinical testing. Allele origin: germline. Affected: yes.
Comment: Intronic splice site variant in a gene for which loss-of-function is a known mechanism of disease, and splice predictors support a deleterious effect; Not observed in large population cohorts (Lek et al., 2016); Has not been previously published as pathogenic or benign to our knowledge

NM_015046.7(SETX):c.7287+3del

Genes: SETX (senataxin; minus strand), LOC126860782 (P300/CBP strongly-dependent group 1 enhancer GRCh37_chr9:135144739-135145938; plus strand). Cytogenetic location: 9q34.13.
Variant type: Deletion.
Coding change: c.7287+3del on transcript NM_015046.7 (MANE Select); 3 bases into the intron after coding-DNA position 7287, one base deleted (A; older notation c.7287+3delA).
Molecular consequence: intron variant.
Genome position (GRCh38, 1-based): chr9:132,269,612, T deleted on the plus strand (A on the coding strand, the reverse complement: SETX is on the minus strand). VCF-style (leftmost placement, unchanged base first): chr9-132269611-CT-C. GRCh37 (hg19) VCF-style: chr9-135144998-CT-C.
Other names: c.7287+3del (NM_001351528.2, NM_001351527.2).
Identifiers: ClinVar variation 1219771 (VCV001219771.3), dbSNP rs2131137637, ClinGen allele CA2499219690.